The following is an entry in ClinVar:

ClinVar aggregate classification (germline): Uncertain significance. Review status: criteria provided, single submitter (1 of 4 stars). 2 submissions from 2 submitters: Uncertain significance (1). 1 of the submissions does not count toward it. Last evaluated 2017-02-01.

Conditions:
TYMP-related disorder. Also called: TYMP-related condition.

Allele frequency attached by ClinVar (database versions not stated): gnomAD exomes 0.00003; ExAC 0.00006; gnomAD 0.00008 and 0.00009; TOPMed 0.00009; 1000 Genomes Project 30x 0.00016; 1000 Genomes Project 0.00020.
gnomAD v4.1: 29 of 1,607,978 alleles (0.0018%); highest among the groups gnomAD compares: African/African-American, 0.037%; no homozygotes.

Submissions (2):

Eurofins Ntd Llc (ga)
Classification: Uncertain significance. Last evaluated: 2017-02-01. Review status: criteria provided, single submitter. Criteria: EGL Classification Definitions 2015. Collection method: clinical testing. Allele origin: germline. Observed: 1 variant allele, 1 heterozygote.

PreventionGenetics, part of Exact Sciences
Classification: Likely benign for TYMP-related condition. Last evaluated: 2019-12-31. Review status: no assertion criteria provided. Collection method: clinical testing. Allele origin: germline. Not counted in ClinVar's aggregate classification.
Comment: This variant is classified as likely benign based on ACMG/AMP sequence variant interpretation guidelines (Richards et al. 2015 PMID: 25741868, with internal and published modifications).

NM_001953.5(TYMP):c.-4A>G

Gene: TYMP (thymidine phosphorylase; minus strand). Cytogenetic location: 22q13.33.
Variant type: single nucleotide variant.
Coding change: c.-4A>G on transcript NM_001953.5 (MANE Select); 4 bases upstream of the start codon, A replaced by G.
Molecular consequence: 5 prime UTR variant.
Genome position (GRCh38, 1-based): chr22:50,529,713, T>C on the plus strand (A>G on the coding strand, the complement: TYMP is on the minus strand). VCF-style: chr22-50529713-T-C. GRCh37 (hg19) VCF-style: chr22-50968142-T-C.
Other names: c.-4A>G (LRG_727t2, LRG_727t1, NM_001113755.3 and 4 more transcripts).
Identifiers: ClinVar variation 500150 (VCV000500150.7), dbSNP rs571316178, ClinGen allele CA10321904.